The following is an entry in ClinVar:

ClinVar aggregate classification (germline): Likely benign. Review status: criteria provided, multiple submitters, no conflicts (2 of 4 stars). 2 submissions from 2 submitters: Likely benign (2). Last evaluated 2024-08-01.

Conditions:
Inborn genetic diseases. Identifiers: MedGen C0950123, MeSH D030342.

Allele frequency attached by ClinVar (database versions not stated): ExAC 0.00013; gnomAD 0.00013; TOPMed 0.00014; ESP Exome Variant Server 0.00025; gnomAD exomes 0.00038.
gnomAD v4.1: 561 of 1,613,040 alleles (0.035%); highest among the groups gnomAD compares: Non-Finnish European, 0.047%; no homozygotes.

Submissions (2):

CeGaT Center for Human Genetics Tuebingen
Classification: Likely benign. Last evaluated: 2024-08-01. Review status: criteria provided, single submitter. Criteria: CeGaT Center For Human Genetics Tuebingen Variant Classification Criteria Version 2. Collection method: clinical testing. Allele origin: germline. Affected: yes. Observed: 1 variant allele.
Comment: TET3: BP4, BS2

Ambry Genetics
Classification: Likely benign for Inborn genetic diseases. Last evaluated: 2022-06-14. Review status: criteria provided, single submitter. Criteria: Ambry Variant Classification Scheme 2023. Collection method: clinical testing. Allele origin: germline.

NM_001287491.2(TET3):c.4510T>C (p.Ser1504Pro)

Gene: TET3 (tet methylcytosine dioxygenase 3; plus strand). Cytogenetic location: 2p13.1.
Variant type: single nucleotide variant.
Coding change: c.4510T>C on transcript NM_001287491.2 (MANE Select); coding-DNA position 4510, T replaced by C.
Protein change: p.Ser1504Pro; replaces serine 1504 with proline.
Molecular consequence: missense variant.
Genome position (GRCh38, 1-based): chr2:74,101,298, T>C. VCF-style: chr2-74101298-T-C. GRCh37 (hg19) VCF-style: chr2-74328425-T-C.
Other names: c.4231T>C, p.Ser1411Pro (NM_001366022.1); c.4105T>C, p.Ser1369Pro (NM_144993.1); short protein forms S1369P, S1411P, S1504P.
Identifiers: ClinVar variation 3176241 (VCV003176241.17), dbSNP rs199654650, ClinGen allele CA1719236.